The following is an entry in ClinVar:

NC_000023.10:g.(?_18525053)_(18665462_?)dup

Genes: CDKL5 (cyclin dependent kinase like 5; plus strand), RS1 (retinoschisin 1; minus strand). Cytogenetic location: Xp22.13.
Variant type: Duplication.
Identifiers: ClinVar variation 1015177 (VCV001015177.9).

ClinVar aggregate classification (germline): Uncertain significance (1 of 4 stars; one submission).

Conditions:
Angelman syndrome-like. Identifiers: MedGen CN128785.
Developmental and epileptic encephalopathy, 2 (DEE2). Also called: INFANTILE SPASM SYNDROME, X-LINKED 2; CDKL5 deficiency disorder. Identifiers: Orphanet 1934, Orphanet 3451, Orphanet 505652, MedGen C4750718, MONDO:0010396, OMIM 300672.

Submission:

Labcorp Genetics (formerly Invitae), Labcorp
Classification: Uncertain significance for Developmental and epileptic encephalopathy, 2; Angelman syndrome-like. Last evaluated: 2020-07-01. Review status: criteria provided, single submitter. Criteria: Invitae Variant Classification Sherloc (09022015). Collection method: clinical testing. Allele origin: germline.
Comment: This variant results in a copy number gain of the genomic region encompassing exon(s) 2-19 of the CDKL5 gene, which includes the initiator codon. The 5' end of this event is unknown as it extends beyond the assayed region for this gene and therefore may encompass additional genes. The 3' boundary is likely confined to intron 19 of the CDKL5 gene. As the precise location of this event is unknown, it may be in tandem or it may be located elsewhere in the genome. This variant has been observed in individual(s) with clinical features of CDKL5-related conditions (Invitae). In summary, the available evidence is currently insufficient to determine the role of this variant in disease. Therefore, it has been classified as a Variant of Uncertain Significance.